The following is an entry in ClinVar:

ClinVar aggregate classification (germline): Likely benign (1 of 4 stars; one submission).

Allele frequency attached by ClinVar (database versions not stated): TOPMed 0.00008; gnomAD 0.00019; gnomAD exomes 0.00039; ExAC 0.00097; 1000 Genomes Project 30x 0.00172; 1000 Genomes Project 0.00220.
gnomAD v4.1: 623 of 1,614,108 alleles (0.039%); highest among the groups gnomAD compares: South Asian, 0.62%; 8 homozygotes.

Submission:

CeGaT Center for Human Genetics Tuebingen
Classification: Likely benign. Last evaluated: 2023-06-01. Review status: criteria provided, single submitter. Criteria: CeGaT Center For Human Genetics Tuebingen Variant Classification Criteria Version 2. Collection method: clinical testing. Allele origin: germline. Affected: yes. Observed: 1 variant allele.
Comment: ADAMTS1: BP4, BP7

NM_006988.5(ADAMTS1):c.837G>A (p.Lys279=)

Genes: ADAMTS1 (ADAM metallopeptidase with thrombospondin type 1 motif 1; minus strand), LOC126653334 (MED14-independent group 3 enhancer GRCh37_chr21:28214275-28215474; plus strand). Cytogenetic location: 21q21.3.
Variant type: single nucleotide variant.
Coding change: c.837G>A on transcript NM_006988.5 (MANE Select); coding-DNA position 837, G replaced by A.
Protein change: p.Lys279=; no amino-acid change (lysine 279 retained).
Molecular consequence: synonymous variant.
Genome position (GRCh38, 1-based): chr21:26,842,579, C>T on the plus strand (G>A on the coding strand, the complement: ADAMTS1 is on the minus strand). VCF-style: chr21-26842579-C-T. GRCh37 (hg19) VCF-style: chr21-28214898-C-T.
Identifiers: ClinVar variation 2652577 (VCV002652577.24), dbSNP rs551770604, ClinGen allele CA9988533.
Genomic context (GRCh38, chr21:26,842,579, plus strand): 5'-ACGAATGCTGGGGTGTTTGTACAATCTGGCTGCCACCGAAAACAACGTGAGAAGGTAATG[C>T]TTTAGACCACTGCCGTGGAATTCTGCCATCGACTGGTCTGCCACAAGCATGGTTTCCACA-3'
Protein context (NP_008919.3, residues 269-289): SMAEFHGSGL[Lys279=]HYLLTLFSVA